The following is an entry in ClinVar:

NM_000127.3(EXT1):c.608A>G (p.Tyr203Cys)

Gene: EXT1 (exostosin glycosyltransferase 1; minus strand). Cytogenetic location: 8q24.11.
Variant type: single nucleotide variant.
Coding change: c.608A>G on transcript NM_000127.3 (MANE Select); coding-DNA position 608, A replaced by G.
Protein change: p.Tyr203Cys; replaces tyrosine 203 with cysteine.
Molecular consequence: missense variant.
Genome position (GRCh38, 1-based): chr8:118,110,439, T>C on the plus strand (A>G on the coding strand, the complement: EXT1 is on the minus strand). VCF-style: chr8-118110439-T-C. GRCh37 (hg19) VCF-style: chr8-119122678-T-C.
Other names: short protein forms Y203C.
Identifiers: ClinVar variation 2628012 (VCV002628012.2), dbSNP rs1817876107, ClinGen allele CA371915458.

ClinVar aggregate classification (germline): Pathogenic/Likely pathogenic. Review status: criteria provided, multiple submitters, no conflicts (2 of 4 stars). 2 submissions from 2 submitters: Pathogenic (1); Likely pathogenic (1). Last evaluated 2026-01-27.

Conditions:
Multiple congenital exostosis (EXT). Also called: Multiple osteochondromas; Multiple exostoses; Hereditary multiple osteochondromas; Hereditary multiple exostoses; Hereditary multiple exostosis; MULTIPLE CARTILAGINOUS EXOSTOSES. Identifiers: Orphanet 321, MedGen C0015306, MONDO:0005508, HP:0002762.

Allele frequency attached by ClinVar (database versions not stated): gnomAD exomes below 0.00001.
gnomAD v4.1: 1 of 1,614,164 alleles (0.000062%); highest among the groups gnomAD compares: Non-Finnish European, 0.000085%; no homozygotes.

Submissions (2):

Labcorp Genetics (formerly Invitae), Labcorp
Classification: Pathogenic for Multiple congenital exostosis. Last evaluated: 2026-01-27. Review status: criteria provided, single submitter. Criteria: Invitae Variant Classification Sherloc (09022015). Collection method: clinical testing. Allele origin: germline.
Comment: This sequence change replaces tyrosine, which is neutral and polar, with cysteine, which is neutral and slightly polar, at codon 203 of the EXT1 protein (p.Tyr203Cys). This variant is not present in population databases (gnomAD no frequency). This missense change has been observed in individual(s) with multiple osteochondromatosis (PMID: 34516402). ClinVar contains an entry for this variant (Variation ID: 2628012). Invitae Evidence Modeling of protein sequence and biophysical properties (such as structural, functional, and spatial information, amino acid conservation, physicochemical variation, residue mobility, and thermodynamic stability) indicates that this missense variant is expected to disrupt EXT1 protein function with a positive predictive value of 95%. This variant disrupts the p.Tyr203 amino acid residue in EXT1. Other variant(s) that disrupt this residue have been determined to be pathogenic (internal data). This suggests that this residue is clinically significant, and that variants that disrupt this residue are likely to be disease-causing. For these reasons, this variant has been classified as Pathogenic.

Institute of Medical Genetics and Applied Genomics, University Hospital Tübingen
Classification: Likely pathogenic for Multiple congenital exostosis. Last evaluated: 2023-11-10. Review status: criteria provided, single submitter. Criteria: ACMG Guidelines, 2015. Collection method: clinical testing. Allele origin: germline. Inheritance: Autosomal dominant inheritance. Affected: yes.

Literature cited by the submitters: PubMed 34516402 (cited by Labcorp Genetics (formerly Invitae), Labcorp).